The following is an entry in ClinVar:

NM_017654.4(SAMD9):c.1703A>G (p.Lys568Arg)

Gene: SAMD9 (sterile alpha motif domain containing 9; minus strand). Cytogenetic location: 7q21.2.
Variant type: single nucleotide variant.
Coding change: c.1703A>G on transcript NM_017654.4 (MANE Select); coding-DNA position 1703, A replaced by G.
Protein change: p.Lys568Arg; replaces lysine 568 with arginine.
Molecular consequence: missense variant.
Genome position (GRCh38, 1-based): chr7:93,104,395, T>C on the plus strand (A>G on the coding strand, the complement: SAMD9 is on the minus strand). VCF-style: chr7-93104395-T-C. GRCh37 (hg19) VCF-style: chr7-92733708-T-C.
Other names: c.1703A>G, p.Lys568Arg (NM_001193307.2); short protein forms K568R.
Identifiers: ClinVar variation 4863776 (VCV004863776.1).

ClinVar aggregate classification (germline): Uncertain significance (1 of 4 stars; one submission).

Conditions:
Inborn genetic diseases. Identifiers: MedGen C0950123, MeSH D030342.

Submission:

Ambry Genetics
Classification: Uncertain significance for Inborn genetic diseases. Last evaluated: 2026-03-27. Review status: criteria provided, single submitter. Criteria: Ambry Variant Classification Scheme 2023. Collection method: clinical testing. Allele origin: germline.
Comment: The p.K568R variant (also known as c.1703A>G), located in coding exon 1 of the SAMD9 gene, results from an A to G substitution at nucleotide position 1703. The lysine at codon 568 is replaced by arginine, an amino acid with highly similar properties. This amino acid position is conserved. In addition, this alteration is predicted to be tolerated by in silico analysis. Based on the available evidence, the clinical significance of this variant remains unclear.